The following is an entry in ClinVar:

NM_006231.4(POLE):c.4576C>A (p.Leu1526Ile)

Gene: POLE (DNA polymerase epsilon, catalytic subunit; minus strand). Cytogenetic location: 12q24.33.
Variant type: single nucleotide variant.
Coding change: c.4576C>A on transcript NM_006231.4 (MANE Select); coding-DNA position 4576, C replaced by A.
Protein change: p.Leu1526Ile; replaces leucine 1526 with isoleucine.
Molecular consequence: missense variant.
Genome position (GRCh38, 1-based): chr12:132,642,972, G>T on the plus strand (C>A on the coding strand, the complement: POLE is on the minus strand). VCF-style: chr12-132642972-G-T. GRCh37 (hg19) VCF-style: chr12-133219558-G-T.
Other names: c.4576C>A (NM_006231.2); short protein forms L1526I.
Identifiers: ClinVar variation 1036482 (VCV001036482.9), dbSNP rs1204588974, ClinGen allele CA387379292.

ClinVar aggregate classification (germline): Uncertain significance. Review status: criteria provided, multiple submitters, no conflicts (2 of 4 stars). 3 submissions from 3 submitters: Uncertain significance (3). Last evaluated 2025-12-01.

Conditions:
Hereditary cancer-predisposing syndrome. Also called: Tumor predisposition; Hereditary Cancer Syndrome; Neoplastic Syndromes, Hereditary; Hereditary neoplastic syndrome. Identifiers: Orphanet 140162, MedGen C0027672, MeSH D009386, MONDO:0015356.

Allele frequency attached by ClinVar (database versions not stated): gnomAD exomes below 0.00001; TOPMed below 0.00001.
gnomAD v4.1: 2 of 1,595,356 alleles (0.00013%); highest among the groups gnomAD compares: Non-Finnish European, 0.00017%; no homozygotes.

Submissions (3):

Labcorp Genetics (formerly Invitae), Labcorp
Classification: Uncertain significance. Last evaluated: 2025-12-01. Review status: criteria provided, single submitter. Criteria: Invitae Variant Classification Sherloc (09022015). Collection method: clinical testing. Allele origin: germline.
Comment: This sequence change replaces leucine, which is neutral and non-polar, with isoleucine, which is neutral and non-polar, at codon 1526 of the POLE protein (p.Leu1526Ile). This variant is not present in population databases (gnomAD no frequency). This variant has not been reported in the literature in individuals affected with POLE-related conditions. ClinVar contains an entry for this variant (Variation ID: 1036482). Invitae Evidence Modeling of protein sequence and biophysical properties (such as structural, functional, and spatial information, amino acid conservation, physicochemical variation, residue mobility, and thermodynamic stability) indicates that this missense variant is not expected to disrupt POLE protein function with a negative predictive value of 80%. In summary, the available evidence is currently insufficient to determine the role of this variant in disease. Therefore, it has been classified as a Variant of Uncertain Significance.

Ambry Genetics
Classification: Uncertain significance for Hereditary cancer-predisposing syndrome. Last evaluated: 2025-06-18. Review status: criteria provided, single submitter. Criteria: Ambry Variant Classification Scheme 2023. Collection method: clinical testing. Allele origin: germline.
Comment: The p.L1526I variant (also known as c.4576C>A), located in coding exon 36 of the POLE gene, results from a C to A substitution at nucleotide position 4576. The leucine at codon 1526 is replaced by isoleucine, an amino acid with highly similar properties. This amino acid position is highly conserved in available vertebrate species. In addition, this alteration is predicted to be tolerated by in silico analysis. Based on the available evidence, the clinical significance of this variant remains unclear.

GeneDx
Classification: Uncertain significance. Last evaluated: 2023-11-29. Review status: criteria provided, single submitter. Criteria: GeneDx Variant Classification Process June 2021. Collection method: clinical testing. Allele origin: germline.
Comment: Not observed at significant frequency in large population cohorts (gnomAD); In silico analysis supports that this missense variant does not alter protein structure/function; Has not been previously published as pathogenic or benign to our knowledge